The following is an entry in ClinVar:

NM_000088.4(COL1A1):c.1206T>G (p.Ala402=)

Gene: COL1A1 (collagen type I alpha 1 chain; minus strand). Cytogenetic location: 17q21.33.
Variant type: single nucleotide variant.
Coding change: c.1206T>G on transcript NM_000088.4 (MANE Select); coding-DNA position 1206, T replaced by G.
Protein change: p.Ala402=; no amino-acid change (alanine 402 retained).
Molecular consequence: synonymous variant.
Genome position (GRCh38, 1-based): chr17:50,195,325, A>C on the plus strand (T>G on the coding strand, the complement: COL1A1 is on the minus strand). VCF-style: chr17-50195325-A-C. GRCh37 (hg19) VCF-style: chr17-48272686-A-C.
Identifiers: ClinVar variation 1640972 (VCV001640972.12), dbSNP rs141411256, ClinGen allele CA8645346.

ClinVar aggregate classification (germline): Likely benign. Review status: criteria provided, multiple submitters, no conflicts (2 of 4 stars). 3 submissions from 3 submitters: Likely benign (2). 1 of the submissions does not count toward it. Last evaluated 2025-06-12.

Conditions:
Cardiovascular phenotype. Identifiers: MedGen CN230736.
Osteogenesis imperfecta type I (OI1). Also called: OI, TYPE I; OSTEOGENESIS IMPERFECTA TARDA; OSTEOGENESIS IMPERFECTA WITH BLUE SCLERAE; Osteogenesis imperfecta type 1; Lobstein's Disease; Lobstein disease. Identifiers: Orphanet 216796, Orphanet 666, MedGen C0023931, MONDO:0008146, OMIM 166200. Disease mechanism: loss of function.
COL1A1-related disorder. Also called: COL1A1- related disease; COL1A1-related condition.

Allele frequency attached by ClinVar (database versions not stated): gnomAD exomes 0.00003; ExAC 0.00005; TOPMed 0.00012; gnomAD 0.00013 and 0.00014; ESP Exome Variant Server 0.00015.
gnomAD v4.1: 31 of 1,613,640 alleles (0.0019%); highest among the groups gnomAD compares: African/African-American, 0.041%; no homozygotes.

Submissions (3):

Labcorp Genetics (formerly Invitae), Labcorp
Classification: Likely benign for Osteogenesis imperfecta type I. Last evaluated: 2025-06-12. Review status: criteria provided, single submitter. Criteria: Invitae Variant Classification Sherloc (09022015). Collection method: clinical testing. Allele origin: germline.

Ambry Genetics
Classification: Likely benign for Cardiovascular phenotype. Last evaluated: 2022-04-03. Review status: criteria provided, single submitter. Criteria: Ambry Variant Classification Scheme 2023. Collection method: clinical testing. Allele origin: germline.

PreventionGenetics, part of Exact Sciences
Classification: Likely benign for COL1A1-related condition. Last evaluated: 2023-01-18. Review status: no assertion criteria provided. Collection method: clinical testing. Allele origin: germline. Not counted in ClinVar's aggregate classification.
Comment: This variant is classified as likely benign based on ACMG/AMP sequence variant interpretation guidelines (Richards et al. 2015 PMID: 25741868, with internal and published modifications).